The following is an entry in ClinVar:

NM_000138.5(FBN1):c.6313+5G>C

Gene: FBN1 (fibrillin 1; minus strand). Cytogenetic location: 15q21.1.
Variant type: single nucleotide variant.
Coding change: c.6313+5G>C on transcript NM_000138.5 (MANE Select); 5 bases into the intron after coding-DNA position 6313, G replaced by C.
Molecular consequence: intron variant.
Genome position (GRCh38, 1-based): chr15:48,437,763, C>G on the plus strand (G>C on the coding strand, the complement: FBN1 is on the minus strand). VCF-style: chr15-48437763-C-G. GRCh37 (hg19) VCF-style: chr15-48729960-C-G.
Identifiers: ClinVar variation 1698911 (VCV001698911.2), dbSNP rs878853688, ClinGen allele CA2017997771.

ClinVar aggregate classification (germline): Uncertain significance (1 of 4 stars; one submission).

Conditions:
Marfan syndrome (MFS). Also called: Marfan's syndrome; Marfan syndrome, classic; MARFAN SYNDROME, TYPE I; Marfan syndrome type 1; FBN1-Related Marfan Syndrome. Identifiers: Orphanet 284963, Orphanet 558, MedGen C0024796, MONDO:0007947, OMIM 154700.

Submission:

Genetics and Molecular Pathology, SA Pathology
Classification: Uncertain significance for Marfan syndrome. Last evaluated: 2021-07-20. Review status: criteria provided, single submitter. Criteria: ACMG Guidelines, 2015. Collection method: clinical testing. Allele origin: germline. Inheritance: Autosomal dominant inheritance. Affected: yes.
Comment: RNA studies previously performed on DNA from this patient - classified as a VUS variant: The RNA studies findings confirm that this variant effect aberrant splicing, however quantitative estimates indicates the aberrant transcript (FBN1:r.6313_6314ins57) is present at the limit of detection of the assay (~10%) (ie. wildtype FBN1:r.= : aberrant FBN1:r.6313_6314ins57 transcript ratio of appx 90:10 from the total mRNA.